The following is an entry in ClinVar:

NM_001286.5(CLCN6):c.527G>A (p.Arg176His)

Gene: CLCN6 (chloride voltage-gated channel 6; plus strand). Cytogenetic location: 1p36.22.
Variant type: single nucleotide variant.
Coding change: c.527G>A on transcript NM_001286.5 (MANE Select); coding-DNA position 527, G replaced by A.
Protein change: p.Arg176His; replaces arginine 176 with histidine.
Molecular consequence: missense variant. On other transcripts: non-coding transcript variant (1).
Genome position (GRCh38, 1-based): chr1:11,823,780, G>A. VCF-style: chr1-11823780-G-A. GRCh37 (hg19) VCF-style: chr1-11883837-G-A.
Other names: c.461G>A, p.Arg154His (NM_001256959.2); short protein forms R154H, R176H.
Identifiers: ClinVar variation 1974356 (VCV001974356.5), dbSNP rs753482229, ClinGen allele CA596117.
Genomic context (GRCh38, chr1:11,823,780, plus strand): 5'-GTTCCGGGATACCCGAGGTCAAATGCTATCTGAATGGCGTAAAGGTGCCAGGAATCGTCC[G>A]TCTCCGGACCCTGCTCTGCAAGGTCCTTGGAGTGCTGTTCAGTGTGGCTGGAGGTAAGAA-3'
Protein context (NP_001277.2, residues 166-186): LNGVKVPGIV[Arg176His]LRTLLCKVLG

ClinVar aggregate classification (germline): Uncertain significance (1 of 4 stars; one submission).

Allele frequency attached by ClinVar (database versions not stated): ExAC 0.00001; gnomAD 0.00001; gnomAD exomes 0.00001; TOPMed 0.00001.
gnomAD v4.1: 12 of 1,614,146 alleles (0.00074%); highest among the groups gnomAD compares: South Asian, 0.0044%; no homozygotes.

Submission:

Labcorp Genetics (formerly Invitae), Labcorp
Classification: Uncertain significance. Last evaluated: 2024-11-18. Review status: criteria provided, single submitter. Criteria: Invitae Variant Classification Sherloc (09022015). Collection method: clinical testing. Allele origin: germline.
Comment: This sequence change replaces arginine, which is basic and polar, with histidine, which is basic and polar, at codon 176 of the CLCN6 protein (p.Arg176His). This variant is present in population databases (rs753482229, gnomAD 0.003%). This variant has not been reported in the literature in individuals affected with CLCN6-related conditions. ClinVar contains an entry for this variant (Variation ID: 1974356). An algorithm developed to predict the effect of missense changes on protein structure and function (PolyPhen-2) suggests that this variant is likely to be disruptive. In summary, the available evidence is currently insufficient to determine the role of this variant in disease. Therefore, it has been classified as a Variant of Uncertain Significance.